The following is an entry in ClinVar:

NM_001206927.2(DNAH8):c.7832T>A (p.Met2611Lys)

Gene: DNAH8 (dynein axonemal heavy chain 8; plus strand). Cytogenetic location: 6p21.2.
Variant type: single nucleotide variant.
Coding change: c.7832T>A on transcript NM_001206927.2 (MANE Select); coding-DNA position 7832, T replaced by A.
Protein change: p.Met2611Lys; replaces methionine 2611 with lysine.
Molecular consequence: missense variant.
Genome position (GRCh38, 1-based): chr6:38,875,802, T>A. VCF-style: chr6-38875802-T-A. GRCh37 (hg19) VCF-style: chr6-38843578-T-A.
Other names: c.7181T>A, p.Met2394Lys (NM_001371.4); short protein forms M2394K, M2611K.
Identifiers: ClinVar variation 1346385 (VCV001346385.6), dbSNP rs2150445794, ClinGen allele CA364029414.

ClinVar aggregate classification (germline): Uncertain significance (1 of 4 stars; one submission).

Conditions:
Primary ciliary dyskinesia. Also called: Ciliary dyskinesia. Identifiers: Orphanet 244, MedGen C0008780, MONDO:0016575, HP:0012265.

gnomAD v4.1: 10 of 1,613,500 alleles (0.00062%); highest among the groups gnomAD compares: Non-Finnish European, 0.00042%; no homozygotes.

Submission:

Labcorp Genetics (formerly Invitae), Labcorp
Classification: Uncertain significance for Primary ciliary dyskinesia. Last evaluated: 2021-11-08. Review status: criteria provided, single submitter. Criteria: Invitae Variant Classification Sherloc (09022015). Collection method: clinical testing. Allele origin: germline.
Comment: This sequence change replaces methionine, which is neutral and non-polar, with lysine, which is basic and polar, at codon 2611 of the DNAH8 protein (p.Met2611Lys). This variant is not present in population databases (gnomAD no frequency). This variant has not been reported in the literature in individuals affected with DNAH8-related conditions. Algorithms developed to predict the effect of missense changes on protein structure and function are either unavailable or do not agree on the potential impact of this missense change (SIFT: "Tolerated"; PolyPhen-2: "Not Available"; Align-GVGD: "Class C0"). In summary, the available evidence is currently insufficient to determine the role of this variant in disease. Therefore, it has been classified as a Variant of Uncertain Significance.